The following is an entry in ClinVar:

NM_006648.4(WNK2):c.2761C>T (p.Pro921Ser)

Gene: WNK2 (WNK lysine deficient protein kinase 2; plus strand). Cytogenetic location: 9q22.31.
Variant type: single nucleotide variant.
Coding change: c.2761C>T on transcript NM_006648.4 (MANE Select); coding-DNA position 2761, C replaced by T.
Protein change: p.Pro921Ser; replaces proline 921 with serine.
Molecular consequence: missense variant.
Genome position (GRCh38, 1-based): chr9:93,259,309, C>T. VCF-style: chr9-93259309-C-T. GRCh37 (hg19) VCF-style: chr9-96021591-C-T.
Other names: c.2761C>T, p.Pro921Ser (NM_001282394.3); short protein forms P921S.
Identifiers: ClinVar variation 3470538 (VCV003470538.1).

ClinVar aggregate classification (germline): Uncertain significance (1 of 4 stars; one submission).

gnomAD v4.1: 1 of 1,613,556 alleles (0.000062%); no homozygotes.

Submission:

Ambry Genetics
Classification: Uncertain significance. Last evaluated: 2024-12-01. Review status: criteria provided, single submitter. Criteria: Ambry Variant Classification Scheme 2023. Collection method: clinical testing. Allele origin: germline.
Comment: The p.P921S variant (also known as c.2761C>T), located in coding exon 11 of the WNK2 gene, results from a C to T substitution at nucleotide position 2761. The proline at codon 921 is replaced by serine, an amino acid with similar properties. This amino acid position is conserved. In addition, this alteration is predicted to be tolerated by in silico analysis. Based on the available evidence, the clinical significance of this variant remains unclear.